The following is an entry in ClinVar:

ClinVar aggregate classification (germline): Uncertain significance (1 of 4 stars; one submission).

Conditions:
Catecholaminergic polymorphic ventricular tachycardia 1. Also called: VENTRICULAR TACHYCARDIA, CATECHOLAMINERGIC POLYMORPHIC, 1, WITH OR WITHOUT ATRIAL DYSFUNCTION AND/OR DILATED CARDIOMYOPATHY; VENTRICULAR TACHYCARDIA, STRESS-INDUCED POLYMORPHIC 1; RYR2-Related Catecholaminergic Polymorphic Ventricular Tachycardia. Identifiers: Orphanet 3286, MedGen C1631597, MONDO:0011484, OMIM 604772.

Submission:

Labcorp Genetics (formerly Invitae), Labcorp
Classification: Uncertain significance for Catecholaminergic polymorphic ventricular tachycardia 1. Last evaluated: 2023-03-01. Review status: criteria provided, single submitter. Criteria: Invitae Variant Classification Sherloc (09022015). Collection method: clinical testing. Allele origin: germline.
Comment: Advanced modeling of protein sequence and biophysical properties (such as structural, functional, and spatial information, amino acid conservation, physicochemical variation, residue mobility, and thermodynamic stability) has been performed at Invitae for this missense variant, however the output from this modeling did not meet the statistical confidence thresholds required to predict the impact of this variant on RYR2 protein function. ClinVar contains an entry for this variant (Variation ID: 1719158). This variant has not been reported in the literature in individuals affected with RYR2-related conditions. This variant is not present in population databases (gnomAD no frequency). This sequence change replaces tyrosine, which is neutral and polar, with serine, which is neutral and polar, at codon 3131 of the RYR2 protein (p.Tyr3131Ser). In summary, the available evidence is currently insufficient to determine the role of this variant in disease. Therefore, it has been classified as a Variant of Uncertain Significance.

NM_001035.3(RYR2):c.9392A>C (p.Tyr3131Ser)

Gene: RYR2 (ryanodine receptor 2; plus strand). Cytogenetic location: 1q43.
Variant type: single nucleotide variant.
Coding change: c.9392A>C on transcript NM_001035.3 (MANE Select); coding-DNA position 9392, A replaced by C.
Protein change: p.Tyr3131Ser; replaces tyrosine 3131 with serine.
Molecular consequence: missense variant.
Genome position (GRCh38, 1-based): chr1:237,702,002, A>C. VCF-style: chr1-237702002-A-C. GRCh37 (hg19) VCF-style: chr1-237865302-A-C.
Other names: short protein forms Y3131S.
Identifiers: ClinVar variation 1719158 (VCV001719158.6), dbSNP rs1342384519, ClinGen allele CA345406336.
Genomic context (GRCh38, chr1:237,702,002, plus strand): 5'-GGTTTTTCTTTCAAGTGAGATTCTCTTTTTCCTTAGTGGAAGATGTCCAGGTGTCTTGTT[A>C]TAGAATTCTGACTAGCTTATATGCTTTGGGAACCAGCAAGAGTATTTACGTGGAGAGGTA-3'
Protein context (NP_001026.2, residues 3121-3141): LILEDVQVSC[Tyr3131Ser]RILTSLYALG